The following is an entry in ClinVar:

NM_025136.4(OPA3):c.*3442A>G

Genes: OPA3 (outer mitochondrial membrane lipid metabolism regulator OPA3; minus strand), OPA3-RTN2 (OPA3-RTN2 readthrough; minus strand). Cytogenetic location: 19q13.32.
Variant type: single nucleotide variant.
Coding change: c.*3442A>G on transcript NM_025136.4 (MANE Select); 3442 bases downstream of the stop codon, A replaced by G.
Molecular consequence: 3 prime UTR variant. On other transcripts: intron variant (1).
Genome position (GRCh38, 1-based): chr19:45,550,072, T>C on the plus strand (A>G on the coding strand, the complement: OPA3 is on the minus strand). VCF-style: chr19-45550072-T-C. GRCh37 (hg19) VCF-style: chr19-46053330-T-C.
Other names: c.143-20616A>G (NM_001017989.3).
Identifiers: ClinVar variation 894416 (VCV000894416.4), dbSNP rs138449967, ClinGen allele CA308956204.

ClinVar aggregate classification (germline): Conflicting classifications of pathogenicity. Review status: criteria provided, conflicting classifications (1 of 4 stars). 2 submissions from 1 submitter: Uncertain significance (1); Benign (1). Last evaluated 2018-01-12.

Conditions:
Optic atrophy 3 (OPA3). Also called: OPTIC ATROPHY 3, AUTOSOMAL DOMINANT; Optic atrophy, cataract, and neurologic disorder; Optic atrophy 3 with cataract. Identifiers: Orphanet 67036, MedGen C1833809, MONDO:0008133, OMIM 165300.
3-Methylglutaconic aciduria type 3 (MGCA3). Also called: OPA3, AUTOSOMAL RECESSIVE; OPA3-Related 3-Methylglutaconic Aciduria; Costeff Syndrome; OPTIC ATROPHY 3, AUTOSOMAL RECESSIVE. Identifiers: Orphanet 67047, MedGen C0574084, MONDO:0009787, OMIM 258501.

Allele frequency attached by ClinVar (database versions not stated): gnomAD exomes 0.00002; gnomAD 0.00015 and 0.00020; TOPMed 0.00043; 1000 Genomes Project 30x 0.00109; 1000 Genomes Project 0.00140.
gnomAD v4.1: 37 of 503,762 alleles (0.0073%); highest among the groups gnomAD compares: East Asian, 0.55%; no homozygotes.

Submissions (2):

Illumina Laboratory Services, Illumina
Classification: Uncertain significance for 3-Methylglutaconic aciduria type 3. Last evaluated: 2018-01-12. Review status: criteria provided, single submitter. Criteria: ICSL Variant Classification Criteria 13 December 2019. Collection method: clinical testing. Allele origin: germline.

Illumina Laboratory Services, Illumina
Classification: Benign for Optic atrophy 3. Last evaluated: 2018-01-12. Review status: criteria provided, single submitter. Criteria: ICSL Variant Classification Criteria 13 December 2019. Collection method: clinical testing. Allele origin: germline.
Comment: This variant was observed in the ICSL laboratory as part of a predisposition screen in an ostensibly healthy population. It had not been previously curated by ICSL or reported in the Human Gene Mutation Database (HGMD: prior to June 1st, 2018), and was therefore a candidate for classification through an automated scoring system. Utilizing variant allele frequency, disease prevalence and penetrance estimates, and inheritance mode, an automated score was calculated to assess if this variant is too frequent to cause the disease. Based on the score and internal cut-off values, a variant classified as benign is not then subjected to further curation. The score for this variant resulted in a classification of benign for this disease.